The following is an entry in ClinVar:

ClinVar aggregate classification (germline): Likely benign (1 of 4 stars; one submission).

Conditions:
Familial thoracic aortic aneurysm and aortic dissection (TAAD). Also called: Thoracic aortic aneurysms and dissections. Identifiers: Orphanet 91387, MedGen C4707243, MONDO:0019625.

Submission:

All of Us Research Program, National Institutes of Health
Classification: Likely benign for Familial thoracic aortic aneurysm and aortic dissection. Last evaluated: 2024-02-22. Review status: criteria provided, single submitter. Criteria: ACMG Guidelines, 2015. Collection method: clinical testing. Allele origin: germline. Inheritance: Autosomal dominant inheritance. Observed: 1 variant allele, 1 heterozygote.
Comment: This study involves interpretation of variants in research participants for the purpose of population health screening. Participant phenotype was not available at the time of variant classification. Additional details can be found in publication PMID: 35346344, PMCID: PMC8962531

NM_002474.3(MYH11):c.801A>G (p.Glu267=)

Gene: MYH11 (myosin heavy chain 11; minus strand). Cytogenetic location: 16p13.11.
Variant type: single nucleotide variant.
Coding change: c.801A>G on transcript NM_002474.3 (MANE Select); coding-DNA position 801, A replaced by G.
Protein change: p.Glu267=; no amino-acid change (glutamic acid 267 retained).
Molecular consequence: synonymous variant.
Genome position (GRCh38, 1-based): chr16:15,776,166, T>C on the plus strand (A>G on the coding strand, the complement: MYH11 is on the minus strand). VCF-style: chr16-15776166-T-C. GRCh37 (hg19) VCF-style: chr16-15870023-T-C.
Other names: c.822A>G, p.Glu274= (NM_001040113.2, NM_001040114.2); c.801A>G, p.Glu267= (NM_022844.3).
Identifiers: ClinVar variation 3387255 (VCV003387255.1).